The following is an entry in ClinVar:

NM_000287.4(PEX6):c.157C>G (p.Leu53Val)

Gene: PEX6 (peroxisomal biogenesis factor 6; minus strand). Cytogenetic location: 6p21.1.
Variant type: single nucleotide variant.
Coding change: c.157C>G on transcript NM_000287.4 (MANE Select); coding-DNA position 157, C replaced by G.
Protein change: p.Leu53Val; replaces leucine 53 with valine.
Molecular consequence: missense variant. On other transcripts: non-coding transcript variant (1).
Genome position (GRCh38, 1-based): chr6:42,978,994, G>C on the plus strand (C>G on the coding strand, the complement: PEX6 is on the minus strand). VCF-style: chr6-42978994-G-C. GRCh37 (hg19) VCF-style: chr6-42946732-G-C.
Other names: c.157C>G, p.Leu53Val (NM_001316313.2); short protein forms L53V.
Identifiers: ClinVar variation 1434819 (VCV001434819.7), dbSNP rs1254816567, ClinGen allele CA364168681.

ClinVar aggregate classification (germline): Uncertain significance (1 of 4 stars; one submission).

Conditions:
Peroxisome biogenesis disorder. Identifiers: Orphanet 79189, MedGen C1832200, MONDO:0019234. Disease mechanism: loss of function.

Allele frequency attached by ClinVar (database versions not stated): gnomAD 0.00001; gnomAD exomes 0.00001.
gnomAD v4.1: 14 of 1,512,358 alleles (0.00093%); highest among the groups gnomAD compares: Non-Finnish European, 0.0012%; no homozygotes.

Submission:

Labcorp Genetics (formerly Invitae), Labcorp
Classification: Uncertain significance for Peroxisome biogenesis disorder. Last evaluated: 2021-08-30. Review status: criteria provided, single submitter. Criteria: Invitae Variant Classification Sherloc (09022015). Collection method: clinical testing. Allele origin: germline.
Comment: This sequence change replaces leucine with valine at codon 53 of the PEX6 protein (p.Leu53Val). The leucine residue is weakly conserved and there is a small physicochemical difference between leucine and valine. The frequency data for this variant in the population databases is considered unreliable, as metrics indicate insufficient coverage at this position in the ExAC database. This variant has not been reported in the literature in individuals affected with PEX6-related conditions. Algorithms developed to predict the effect of missense changes on protein structure and function are either unavailable or do not agree on the potential impact of this missense change (SIFT: "Tolerated"; PolyPhen-2: "Probably Damaging"; Align-GVGD: "Class C0"). In summary, the available evidence is currently insufficient to determine the role of this variant in disease. Therefore, it has been classified as a Variant of Uncertain Significance.